The following is an entry in ClinVar:

NM_001378454.1(ALMS1):c.3952G>T (p.Gly1318Ter)

Gene: ALMS1 (ALMS1 centrosome and basal body associated protein; plus strand). Cytogenetic location: 2p13.1.
Variant type: single nucleotide variant.
Coding change: c.3952G>T on transcript NM_001378454.1 (MANE Select); coding-DNA position 3952, G replaced by T.
Protein change: p.Gly1318Ter; replaces glycine 1318 with a stop codon.
Molecular consequence: nonsense.
Genome position (GRCh38, 1-based): chr2:73,450,479, G>T. VCF-style: chr2-73450479-G-T. GRCh37 (hg19) VCF-style: chr2-73677606-G-T.
Other names: c.3955G>T, p.Gly1319Ter (NM_015120.4); short protein forms G1318*, G1319*.
Identifiers: ClinVar variation 1724228 (VCV001724228.2), dbSNP rs2466099992, ClinGen allele CA347277148.
Genomic context (GRCh38, chr2:73,450,479, plus strand): 5'-CAACAGTCGTTGCCAAGTAGTCATCTAACTGAAGAGGCTAAGAATGTTTCAGCGGTTCCT[G>T]GACCAGCTGACCAGAAGACTGTGATACCAATTTTACCCTCTACTTTCTACTCACACACAG-3'

ClinVar aggregate classification (germline): Likely pathogenic (1 of 4 stars; one submission).

Conditions:
Alstrom syndrome (ALMS). Identifiers: Orphanet 64, MedGen C0268425, MONDO:0008763, OMIM 203800.

Submission:

Myriad Genetics, Inc.
Classification: Likely pathogenic for Alstrom syndrome. Last evaluated: 2022-02-02. Review status: criteria provided, single submitter. Criteria: Myriad Women's Health Autosomal Recessive and X-Linked Classification Criteria (2021). Collection method: clinical testing. Allele origin: unknown.
Comment: NM_015120.4(ALMS1):c.3955G>T(G1319*) is expected to be pathogenic in the context of Alstrom syndrome. This variant is predicted to lead to an abnormal or absent protein product due to the creation of a premature termination codon in ALMS1, a gene where loss-of-function variants are known to be pathogenic. Please note: this variant was assessed in the context of healthy population screening.